The following is an entry in ClinVar:

ClinVar aggregate classification (germline): Uncertain significance (1 of 4 stars; one submission).

Submission:

Labcorp Genetics (formerly Invitae), Labcorp
Classification: Uncertain significance. Last evaluated: 2021-09-10. Review status: criteria provided, single submitter. Criteria: Invitae Variant Classification Sherloc (09022015). Collection method: clinical testing. Allele origin: germline.
Comment: This variant has not been reported in the literature in individuals affected with LRRC8A-related conditions. In summary, the available evidence is currently insufficient to determine the role of this variant in disease. Therefore, it has been classified as a Variant of Uncertain Significance. Experimental studies and prediction algorithms are not available or were not evaluated, and the functional significance of this variant is currently unknown. This variant is not present in population databases (ExAC no frequency). This variant, c.971_973del, results in the deletion of 1 amino acid(s) of the LRRC8A protein (p.Phe324del), but otherwise preserves the integrity of the reading frame.

NM_019594.4(LRRC8A):c.971_973del (p.Phe324del)

Gene: LRRC8A (leucine rich repeat containing 8 VRAC subunit A; plus strand). Cytogenetic location: 9q34.11.
Variant type: Deletion.
Coding change: c.971_973del on transcript NM_019594.4 (MANE Select); coding-DNA positions 971 to 973, 3 bases deleted (TCT; older notation c.971_973delTCT).
Protein change: p.Phe324del; deletes phenylalanine 324.
Molecular consequence: inframe deletion.
Genome position (GRCh38, 1-based): chr9:128,908,135-128,908,137, TCT deleted; deleting any 3 consecutive bases within chr9:128,908,133-128,908,137 gives the same sequence; the c. name uses the placement nearest the transcript's 3' end. VCF-style (leftmost placement, unchanged base first): chr9-128908132-CCTT-C. GRCh37 (hg19) VCF-style: chr9-131670411-CCTT-C.
Other names: c.971_973del, p.Phe324del (NM_001127244.2, NM_001127245.2); short protein forms F324del.
Identifiers: ClinVar variation 1380532 (VCV001380532.6), dbSNP rs2131021036, ClinGen allele CA2573143927.
Genomic context (GRCh38, chr9:128,908,132, plus strand): 5'-CGGGCTACCGCACCTACCGCTGTGCCCACCCCCTGGCCACACTCTTCAAGATCCTGGCGT[CCTT>C]CTACATCAGCCTAGTCATCTTCTACGGCCTCATCTGCATGTATACACTGTGGTGGATGCT-3'